The following is an entry in ClinVar:

ClinVar aggregate classification (germline): Uncertain significance (1 of 4 stars; one submission).

Conditions:
PGM1-congenital disorder of glycosylation. Also called: Congenital disorder of glycosylation type 1t; GLYCOGEN STORAGE DISEASE XIV; GSD XIV; CDG It; PHOSPHOGLUCOMUTASE 1 DEFICIENCY; PGM1 DEFICIENCY. Identifiers: Orphanet 319646, MedGen C2752015, MONDO:0013968, OMIM 614921.

Allele frequency attached by ClinVar (database versions not stated): ExAC 0.00001; gnomAD exomes 0.00001.
gnomAD v4.1: 4 of 1,613,872 alleles (0.00025%); highest among the groups gnomAD compares: Admixed American, 0.005%; no homozygotes.

Submission:

Labcorp Genetics (formerly Invitae), Labcorp
Classification: Uncertain significance for PGM1-congenital disorder of glycosylation. Last evaluated: 2022-02-01. Review status: criteria provided, single submitter. Criteria: Invitae Variant Classification Sherloc (09022015). Collection method: clinical testing. Allele origin: germline.
Comment: Variants that disrupt the consensus splice site are a relatively common cause of aberrant splicing (PMID: 17576681, 9536098). Algorithms developed to predict the effect of sequence changes on RNA splicing suggest that this variant is not likely to affect RNA splicing. This variant has not been reported in the literature in individuals affected with PGM1-related conditions. This variant is present in population databases (rs755342874, gnomAD 0.009%). This sequence change falls in intron 3 of the PGM1 gene. It does not directly change the encoded amino acid sequence of the PGM1 protein. It affects a nucleotide within the consensus splice site. In summary, the available evidence is currently insufficient to determine the role of this variant in disease. Therefore, it has been classified as a Variant of Uncertain Significance.

Literature cited by the submitters: PubMed 17576681; PubMed 9536098.

NM_002633.3(PGM1):c.556+3A>G

Gene: PGM1 (phosphoglucomutase 1; plus strand). Cytogenetic location: 1p31.3.
Variant type: single nucleotide variant.
Coding change: c.556+3A>G on transcript NM_002633.3 (MANE Select); 3 bases into the intron after coding-DNA position 556, A replaced by G.
Molecular consequence: intron variant.
Genome position (GRCh38, 1-based): chr1:63,630,091, A>G. VCF-style: chr1-63630091-A-G. GRCh37 (hg19) VCF-style: chr1-64095762-A-G.
Other names: c.-36+3A>G (NM_001172819.2); c.610+3A>G (NM_001172818.1).
Identifiers: ClinVar variation 1947168 (VCV001947168.5), dbSNP rs755342874, ClinGen allele CA889563.